The following is an entry in ClinVar:

ClinVar aggregate classification (germline): Uncertain significance (1 of 4 stars; one submission).

gnomAD v4.1: 11 of 1,614,022 alleles (0.00068%); highest among the groups gnomAD compares: African/African-American, 0.0027%; no homozygotes.

Submission:

Labcorp Genetics (formerly Invitae), Labcorp
Classification: Uncertain significance. Last evaluated: 2022-03-15. Review status: criteria provided, single submitter. Criteria: Invitae Variant Classification Sherloc (09022015). Collection method: clinical testing. Allele origin: germline.
Comment: This sequence change replaces alanine, which is neutral and non-polar, with threonine, which is neutral and polar, at codon 219 of the APOL1 protein (p.Ala219Thr). This variant is not present in population databases (gnomAD no frequency). This variant has not been reported in the literature in individuals affected with APOL1-related conditions. Algorithms developed to predict the effect of missense changes on protein structure and function output the following: SIFT: "Tolerated"; PolyPhen-2: "Probably Damaging"; Align-GVGD: "Class C0". The threonine amino acid residue is found in multiple mammalian species, which suggests that this missense change does not adversely affect protein function. In summary, the available evidence is currently insufficient to determine the role of this variant in disease. Therefore, it has been classified as a Variant of Uncertain Significance.

NM_003661.4(APOL1):c.655G>A (p.Ala219Thr)

Gene: APOL1 (apolipoprotein L1; plus strand). Cytogenetic location: 22q12.3.
Variant type: single nucleotide variant.
Coding change: c.655G>A on transcript NM_003661.4 (MANE Select); coding-DNA position 655, G replaced by A.
Protein change: p.Ala219Thr; replaces alanine 219 with threonine.
Molecular consequence: missense variant.
Genome position (GRCh38, 1-based): chr22:36,265,491, G>A. VCF-style: chr22-36265491-G-A. GRCh37 (hg19) VCF-style: chr22-36661537-G-A.
Other names: c.655G>A, p.Ala219Thr (NM_001136540.2); c.601G>A, p.Ala201Thr (NM_001136541.2, NM_001362927.2); c.703G>A, p.Ala235Thr (NM_145343.3); short protein forms A201T, A219T, A235T.
Identifiers: ClinVar variation 1903426 (VCV001903426.2), dbSNP rs1603482254, ClinGen allele CA411366927.
Genomic context (GRCh38, chr22:36,265,491, plus strand): 5'-TTCACAGAGGGAGGCAGCCTTGTACTCTTGGAACCTGGGATGGAGTTGGGAATCACAGCC[G>A]CTTTGACCGGGATTACCAGCAGTACCATGGACTACGGAAAGAAGTGGTGGACACAAGCCC-3'
Protein context (NP_003652.2, residues 209-229): EPGMELGITA[Ala219Thr]LTGITSSTMD